The following is an entry in ClinVar:

ClinVar aggregate classification (germline): Pathogenic (1 of 4 stars; one submission).

Conditions:
Deficiency of acetyl-CoA acetyltransferase. Also called: 3-KETOTHIOLASE DEFICIENCY; 3-OXOTHIOLASE DEFICIENCY; MITOCHONDRIAL ACETOACETYL-CoA THIOLASE DEFICIENCY; Beta-ketothiolase deficiency. Identifiers: Orphanet 134, MedGen C1536500, MONDO:0008760, OMIM 203750. Disease mechanism: loss of function.

Submission:

Labcorp Genetics (formerly Invitae), Labcorp
Classification: Pathogenic for Deficiency of acetyl-CoA acetyltransferase. Last evaluated: 2022-02-05. Review status: criteria provided, single submitter. Criteria: Invitae Variant Classification Sherloc (09022015). Collection method: clinical testing. Allele origin: germline.
Comment: A gross deletion of the genomic region encompassing the full coding sequence of the ACAT1 gene has been identified. Loss-of-function variants in ACAT1 are known to be pathogenic (PMID: 7749408). The boundaries of this event are unknown as they extend beyond the assayed region for this gene and therefore may encompass additional genes. This variant has not been reported in the literature in individuals affected with ACAT1-related conditions. For these reasons, this variant has been classified as Pathogenic.

Literature cited by the submitters: PubMed 7749408.

NC_000011.10:g.(?_108121597)_(108147400_?)del

Gene: ACAT1 (acetyl-CoA acetyltransferase 1; plus strand). Cytogenetic location: 11q22.3.
Variant type: Deletion.
Identifiers: ClinVar variation 832954 (VCV000832954.5).